The following is an entry in ClinVar:

NM_003239.5(TGFB3):c.176C>T (p.Pro59Leu)

Gene: TGFB3 (transforming growth factor beta 3; minus strand). Cytogenetic location: 14q24.3.
Variant type: single nucleotide variant.
Coding change: c.176C>T on transcript NM_003239.5 (MANE Select); coding-DNA position 176, C replaced by T.
Protein change: p.Pro59Leu; replaces proline 59 with leucine.
Molecular consequence: missense variant.
Genome position (GRCh38, 1-based): chr14:75,980,718, G>A on the plus strand (C>T on the coding strand, the complement: TGFB3 is on the minus strand). VCF-style: chr14-75980718-G-A. GRCh37 (hg19) VCF-style: chr14-76447061-G-A.
Other names: c.176C>T (NM_003239.4); c.176C>T, p.Pro59Leu (NM_001329938.2, NM_001329939.2); short protein forms P59L.
Identifiers: ClinVar variation 807147 (VCV000807147.34), dbSNP rs1594792447, ClinGen allele CA390471493.

ClinVar aggregate classification (germline): Uncertain significance. Review status: criteria provided, multiple submitters, no conflicts (2 of 4 stars). 6 submissions from 6 submitters: Uncertain significance (5). 1 of the submissions does not count toward it. Last evaluated 2026-05-13.

Conditions:
TGFB3-related disorder. Also called: TGFB3-related condition.
Rienhoff syndrome. Also called: LOEYS-DIETZ SYNDROME 5. Identifiers: MedGen C3810012, MONDO:0014262, OMIM 615582.
Familial thoracic aortic aneurysm and aortic dissection (TAAD). Also called: Thoracic aortic aneurysms and dissections. Identifiers: Orphanet 91387, MedGen C4707243, MONDO:0019625.

Allele frequency attached by ClinVar (database versions not stated): gnomAD exomes below 0.00001.

Submissions (6):

Ambry Genetics
Classification: Uncertain significance for Familial thoracic aortic aneurysm and aortic dissection. Last evaluated: 2026-05-13. Review status: criteria provided, single submitter. Criteria: Ambry Variant Classification Scheme 2023. Collection method: clinical testing. Allele origin: germline.

Women's Health and Genetics/Laboratory Corporation of America, LabCorp
Classification: Uncertain significance. Last evaluated: 2026-04-02. Review status: criteria provided, single submitter. Criteria: LabCorp Variant Classification Summary - May 2015. Collection method: clinical testing. Allele origin: germline.
Comment: Variant summary: TGFB3 c.176C>T (p.Pro59Leu) results in a non-conservative amino acid change in the encoded protein sequence. Algorithms developed to predict the effect of missense changes on protein structure and function are either unavailable or do not agree on the potential impact of this missense change. The variant was absent in 251494 control chromosomes. The available data on variant occurrences in the general population are insufficient to allow any conclusion about variant significance. c.176C>T has been reported in one study of arrhythmogenic cardiomyopathy where it was observed in one control individual and was absent from 172 cases (Goudal_2022). This report does not provide unequivocal conclusions about association of the variant with TGFB3-related disorders. To our knowledge, no experimental evidence demonstrating an impact on protein function has been reported. The following publication has been ascertained in the context of this evaluation (PMID: 35819174). ClinVar contains an entry for this variant (Variation ID: 807147). Based on the evidence outlined above, the variant was classified as uncertain significance.

GeneDx
Classification: Uncertain significance. Last evaluated: 2024-08-19. Review status: criteria provided, single submitter. Criteria: GeneDx Variant Classification Process June 2021. Collection method: clinical testing. Allele origin: germline. Affected: yes.
Comment: Has not been previously published as pathogenic or benign to our knowledge; Not observed at significant frequency in large population cohorts (gnomAD); In silico analysis indicates that this missense variant does not alter protein structure/function

Labcorp Genetics (formerly Invitae), Labcorp
Classification: Uncertain significance for Rienhoff syndrome. Last evaluated: 2023-08-10. Review status: criteria provided, single submitter. Criteria: Invitae Variant Classification Sherloc (09022015). Collection method: clinical testing. Allele origin: germline.
Comment: Algorithms developed to predict the effect of sequence changes on RNA splicing suggest that this variant may create or strengthen a splice site. In summary, the available evidence is currently insufficient to determine the role of this variant in disease. Therefore, it has been classified as a Variant of Uncertain Significance. Advanced modeling of protein sequence and biophysical properties (such as structural, functional, and spatial information, amino acid conservation, physicochemical variation, residue mobility, and thermodynamic stability) performed at Invitae indicates that this missense variant is not expected to disrupt TGFB3 protein function. ClinVar contains an entry for this variant (Variation ID: 807147). This variant has not been reported in the literature in individuals affected with TGFB3-related conditions. This variant is not present in population databases (gnomAD no frequency). This sequence change replaces proline, which is neutral and non-polar, with leucine, which is neutral and non-polar, at codon 59 of the TGFB3 protein (p.Pro59Leu).

ARUP Laboratories, Molecular Genetics and Genomics, ARUP Laboratories
Classification: Uncertain significance. Last evaluated: 2021-04-26. Review status: criteria provided, single submitter. Criteria: ARUP Molecular Germline Variant Investigation Process 2021. Collection method: clinical testing. Allele origin: germline.
Comment: The TGFB3 c.176C>T; p.Pro59Leu variant, to our knowledge, is not reported in the medical literature but is reported in ClinVar (Variation ID: 807147). This variant is also absent from the Genome Aggregation Database, indicating it is not a common polymorphism. The proline at codon 59 is moderately conserved, and computational analyses predict that this variant is neutral (REVEL: 0.082). However, given the lack of clinical and functional data, the significance of the p.Pro59Leu variant is uncertain at this time.

PreventionGenetics, part of Exact Sciences
Classification: Uncertain significance for TGFB3-related condition. Last evaluated: 2023-12-05. Review status: no assertion criteria provided. Collection method: clinical testing. Allele origin: germline. Not counted in ClinVar's aggregate classification.
Comment: The TGFB3 c.176C>T variant is predicted to result in the amino acid substitution p.Pro59Leu. To our knowledge, this variant has not been reported in the literature or in a large population database, indicating this variant is rare. At this time, the clinical significance of this variant is uncertain due to the absence of conclusive functional and genetic evidence.

Literature cited by the submitters: PubMed 35819174 (cited by Women's Health and Genetics/Laboratory Corporation of America, LabCorp).